The following is an entry in ClinVar:

NM_004958.4(MTOR):c.875A>G (p.Gln292Arg)

Gene: MTOR (mechanistic target of rapamycin kinase; minus strand). Cytogenetic location: 1p36.22.
Variant type: single nucleotide variant.
Coding change: c.875A>G on transcript NM_004958.4 (MANE Select); coding-DNA position 875, A replaced by G.
Protein change: p.Gln292Arg; replaces glutamine 292 with arginine.
Molecular consequence: missense variant. On other transcripts: 5 prime UTR variant (1).
Genome position (GRCh38, 1-based): chr1:11,248,060, T>C on the plus strand (A>G on the coding strand, the complement: MTOR is on the minus strand). VCF-style: chr1-11248060-T-C. GRCh37 (hg19) VCF-style: chr1-11308117-T-C.
Other names: c.875A>G, p.Gln292Arg (NM_001386500.1); c.-265A>G (NM_001386501.1); short protein forms Q292R.
Identifiers: ClinVar variation 1957334 (VCV001957334.7), dbSNP rs1343972092, ClinGen allele CA338400752.

ClinVar aggregate classification (germline): Uncertain significance. Review status: criteria provided, multiple submitters, no conflicts (2 of 4 stars). 3 submissions from 3 submitters: Uncertain significance (3). Last evaluated 2025-12-09.

Conditions:
Inborn genetic diseases. Identifiers: MedGen C0950123, MeSH D030342.

Allele frequency attached by ClinVar (database versions not stated): gnomAD exomes below 0.00001; TOPMed below 0.00001; gnomAD 0.00001.
gnomAD v4.1: 8 of 1,611,548 alleles (0.0005%); highest among the groups gnomAD compares: Non-Finnish European, 0.00068%; no homozygotes.

Submissions (3):

Ambry Genetics
Classification: Uncertain significance for Inborn genetic diseases. Last evaluated: 2025-12-09. Review status: criteria provided, single submitter. Criteria: Ambry Variant Classification Scheme 2023. Collection method: clinical testing. Allele origin: germline.

Labcorp Genetics (formerly Invitae), Labcorp
Classification: Uncertain significance. Last evaluated: 2024-09-03. Review status: criteria provided, single submitter. Criteria: Invitae Variant Classification Sherloc (09022015). Collection method: clinical testing. Allele origin: germline.
Comment: This sequence change replaces glutamine, which is neutral and polar, with arginine, which is basic and polar, at codon 292 of the MTOR protein (p.Gln292Arg). This variant is present in population databases (no rsID available, gnomAD 0.0009%). This variant has not been reported in the literature in individuals affected with MTOR-related conditions. ClinVar contains an entry for this variant (Variation ID: 1957334). Invitae Evidence Modeling of protein sequence and biophysical properties (such as structural, functional, and spatial information, amino acid conservation, physicochemical variation, residue mobility, and thermodynamic stability) indicates that this missense variant is not expected to disrupt MTOR protein function with a negative predictive value of 95%. In summary, the available evidence is currently insufficient to determine the role of this variant in disease. Therefore, it has been classified as a Variant of Uncertain Significance.

Blueprint Genetics
Classification: Uncertain significance. Last evaluated: 2020-10-09. Review status: criteria provided, single submitter. Criteria: ACMG Guidelines, 2015. Collection method: clinical testing. Allele origin: germline.